The following is an entry in ClinVar:

ClinVar aggregate classification (germline): Conflicting classifications of pathogenicity. Review status: criteria provided, conflicting classifications (1 of 4 stars). 4 submissions from 4 submitters: Uncertain significance (3); Likely benign (1). Last evaluated 2026-08-25.

Conditions:
KIF1A-related disorder. Also called: KIF1A-related disorders; KIF1A-related condition.
Inborn genetic diseases. Identifiers: MedGen C0950123, MeSH D030342.
Intellectual disability, autosomal dominant 9 (NESCAVS). Also called: NESCAV SYNDROME; KIF1A-Related Neurodevelopmental Disorder. Identifiers: Orphanet 662367, MedGen C5393830, MONDO:0013656, OMIM 614255.
Neuropathy, hereditary sensory, type 2C. Also called: KIF1A-Related HSAN2 (HSAN2C); Hereditary sensory and autonomic neuropathy type IIC. Identifiers: Orphanet 970, MedGen C3280168, MONDO:0013634, OMIM 614213.
Hereditary spastic paraplegia 30. Identifiers: Orphanet 101010, MedGen C5235139, MONDO:0012476.

Allele frequency attached by ClinVar (database versions not stated): gnomAD 0.00001 and 0.00002; gnomAD exomes 0.00003; ExAC 0.00010; 1000 Genomes Project 0.00040; 1000 Genomes Project 30x 0.00047.
gnomAD v4.1: 23 of 1,590,148 alleles (0.0014%); highest among the groups gnomAD compares: East Asian, 0.0092%; no homozygotes.

Submissions (4):

PreventionGenetics, part of Exact Sciences
Classification: Uncertain significance for KIF1A-related condition. Last evaluated: 2026-08-25. Review status: criteria provided, single submitter. Criteria: ACMG Guidelines, 2015. Collection method: clinical testing. Allele origin: germline.
Comment: The KIF1A c.3872G>A variant is predicted to result in the amino acid substitution p.Arg1291His. To our knowledge, this variant has not been reported in the literature. An alternate missense change at the same amino acid position (p.Arg1291Cys) has been reported with a second KIF1A variant in an individual affected with hereditary sensory neuropathy (Hosokawa et al. 2020. PubMed ID: 31734026).This variant is reported in 0.018% of alleles in individuals of East Asian descent in gnomAD. At this time, the clinical significance of this variant is uncertain due to the absence of conclusive functional and genetic evidence.

Labcorp Genetics (formerly Invitae), Labcorp
Classification: Likely benign for Hereditary spastic paraplegia 30; Neuropathy, hereditary sensory, type 2C; Intellectual disability, autosomal dominant 9. Last evaluated: 2026-01-14. Review status: criteria provided, single submitter. Criteria: Invitae Variant Classification Sherloc (09022015). Collection method: clinical testing. Allele origin: germline.

Revvity Omics, Revvity
Classification: Uncertain significance. Last evaluated: 2020-12-29. Review status: criteria provided, single submitter. Criteria: ACMG Guidelines, 2015. Collection method: clinical testing. Allele origin: germline.

Ambry Genetics
Classification: Uncertain significance for Inborn genetic diseases. Last evaluated: 2020-09-11. Review status: criteria provided, single submitter. Criteria: Ambry Variant Classification Scheme 2023. Collection method: clinical testing. Allele origin: germline.
Comment: The p.R1291H variant (also known as c.3872G>A), located in coding exon 36 of the KIF1A gene, results from a G to A substitution at nucleotide position 3872. The arginine at codon 1291 is replaced by histidine, an amino acid with highly similar properties. This amino acid position is not well conserved in available vertebrate species. In addition, this alteration is predicted to be tolerated by in silico analysis. Since supporting evidence is limited at this time, the clinical significance of this alteration remains unclear.

NM_001244008.2(KIF1A):c.3872G>A (p.Arg1291His)

Genes: KIF1A (kinesin family member 1A; minus strand), LOC126806583 (P300/CBP strongly-dependent group 1 enhancer GRCh37_chr2:241678910-241680109; plus strand). Cytogenetic location: 2q37.3.
Variant type: single nucleotide variant.
Coding change: c.3872G>A on transcript NM_001244008.2 (MANE Select); coding-DNA position 3872, G replaced by A.
Protein change: p.Arg1291His; replaces arginine 1291 with histidine.
Molecular consequence: missense variant.
Genome position (GRCh38, 1-based): chr2:240,740,087, C>T on the plus strand (G>A on the coding strand, the complement: KIF1A is on the minus strand). VCF-style: chr2-240740087-C-T. GRCh37 (hg19) VCF-style: chr2-241679504-C-T.
Other names: c.3569G>A (NM_004321.7); c.3596G>A, p.Arg1199His (NM_001320705.2, NM_001330289.2, NM_001379638.1); c.3671G>A, p.Arg1224His (NM_001330290.2, NM_001379634.1, NM_001379635.1 and 1 more transcripts); c.3947G>A, p.Arg1316His (NM_001379631.1); c.3821G>A, p.Arg1274His (NM_001379632.1); c.3845G>A, p.Arg1282His (NM_001379633.1, NM_001379642.1, NM_001379645.1); c.3569G>A, p.Arg1190His (NM_001379636.1, NM_001379639.1, NM_001379641.1 and 5 more transcripts); c.3644G>A, p.Arg1215His (NM_001379637.1, NM_001379648.1); and 1 more; short protein forms R1189H, R1224H, R1282H, R1316H, R1190H, R1215H, R1291H, R1199H.
Identifiers: ClinVar variation 1469737 (VCV001469737.12), dbSNP rs201653410, ClinGen allele CA2207610.